The following is an entry in ClinVar:

ClinVar aggregate classification (germline): Likely benign. Review status: criteria provided, multiple submitters, no conflicts (2 of 4 stars). 3 submissions from 3 submitters: Likely benign (3). Last evaluated 2024-09-15.

Conditions:
Cardiovascular phenotype. Identifiers: MedGen CN230736.
Dilated cardiomyopathy 1G (CMD1G). Identifiers: Orphanet 154, MedGen C1858763, MONDO:0011400, OMIM 604145.
Autosomal recessive limb-girdle muscular dystrophy type 2J (LGMDR10). Also called: Limb-girdle muscular dystrophy, type 2J; MUSCULAR DYSTROPHY, LIMB-GIRDLE, AUTOSOMAL RECESSIVE 10. Identifiers: Orphanet 140922, MedGen C1837342, MONDO:0012127, OMIM 608807.

Allele frequency attached by ClinVar (database versions not stated): gnomAD exomes below 0.00001; gnomAD 0.00001.

Submissions (3):

Ambry Genetics
Classification: Likely benign for Cardiovascular phenotype. Last evaluated: 2024-09-15. Review status: criteria provided, single submitter. Criteria: Ambry Variant Classification Scheme 2023. Collection method: clinical testing. Allele origin: germline.

Labcorp Genetics (formerly Invitae), Labcorp
Classification: Likely benign for Dilated cardiomyopathy 1G; Autosomal recessive limb-girdle muscular dystrophy type 2J. Last evaluated: 2018-11-16. Review status: criteria provided, single submitter. Criteria: Invitae Variant Classification Sherloc (09022015). Collection method: clinical testing. Allele origin: germline.

Laboratory for Molecular Medicine, Mass General Brigham Personalized Medicine
Classification: Likely benign. Last evaluated: 2012-04-05. Review status: criteria provided, single submitter. Criteria: LMM Criteria. Collection method: clinical testing. Allele origin: germline. Observed: 1 variant allele.
Comment: Ser15540Ser in exon 230 of TTN: This variant is not expected to have clinical si gnificance because it does not alter an amino acid residue and is not located wi thin the splice consensus sequence. Ser15540Ser in exon 230 of TTN (allele freq uency = n/a)

NM_001267550.2(TTN):c.54324T>C (p.Ser18108=)

Genes: TTN-AS1 (TTN antisense RNA 1; plus strand), TTN (titin; minus strand). Cytogenetic location: 2q31.2.
Variant type: single nucleotide variant.
Coding change: c.54324T>C on transcript NM_001267550.2 (MANE Select); coding-DNA position 54324, T replaced by C.
Protein change: p.Ser18108=; no amino-acid change (serine 18108 retained).
Molecular consequence: synonymous variant. On other transcripts: non-coding transcript variant (1).
Genome position (GRCh38, 1-based): chr2:178,604,765, A>G on the plus strand (T>C on the coding strand, the complement: TTN is on the minus strand). VCF-style: chr2-178604765-A-G. GRCh37 (hg19) VCF-style: chr2-179469492-A-G.
Other names: c.49401T>C, p.Ser16467= (NM_001256850.1); c.27129T>C, p.Ser9043= (NM_003319.4); c.27504T>C, p.Ser9168= (NM_133432.3); c.27705T>C, p.Ser9235= (NM_133437.4); c.46620T>C, p.Ser15540= (NM_133378.4).
Identifiers: ClinVar variation 47089 (VCV000047089.15), dbSNP rs397517619, ClinGen allele CA139975.
Genomic context (GRCh38, chr2:178,604,765, plus strand): 5'-TACCCCATATCTTTTCTCTACAGCAGTGTTGGTGACTTCCTCCCATTCTGCTTTCTTCCT[A>G]CTTGCATCACGTTTGTCAATAACATAATGGGTGATTTCACTGCCACCATTATCAAGAGGG-3'
Protein context (NP_001254479.2, residues 18098-18118): THYVIDKRDA[Ser18108=]RKKAEWEEVT